The following is an entry in ClinVar:

ClinVar aggregate classification (germline): Uncertain significance (1 of 4 stars; one submission).

Conditions:
Inborn genetic diseases. Identifiers: MedGen C0950123, MeSH D030342.

Submission:

Ambry Genetics
Classification: Uncertain significance for Inborn genetic diseases. Last evaluated: 2023-10-26. Review status: criteria provided, single submitter. Criteria: Ambry Variant Classification Scheme 2023. Collection method: clinical testing. Allele origin: germline.
Comment: The c.842G>C (p.C281S) alteration is located in exon 8 (coding exon 7) of the PHF8 gene. This alteration results from a G to C substitution at nucleotide position 842, causing the cysteine (C) at amino acid position 281 to be replaced by a serine (S). This variant was not reported in population-based cohorts in the Genome Aggregation Database (gnomAD). This amino acid position is not well conserved in available vertebrate species. This alteration is predicted to be tolerated by in silico analysis. Based on insufficient or conflicting evidence, the clinical significance of this alteration remains unclear.

NM_015107.3(PHF8):c.842G>C (p.Cys281Ser)

Gene: PHF8 (PHD finger protein 8; minus strand). Cytogenetic location: Xp11.22.
Variant type: single nucleotide variant.
Coding change: c.842G>C on transcript NM_015107.3 (MANE Select); coding-DNA position 842, G replaced by C.
Protein change: p.Cys281Ser; replaces cysteine 281 with serine.
Molecular consequence: missense variant.
Genome position (GRCh38, 1-based): chrX:54,011,226, C>G on the plus strand (G>C on the coding strand, the complement: PHF8 is on the minus strand). VCF-style: chrX-54011226-C-G. GRCh37 (hg19) VCF-style: chrX-54037659-C-G.
Other names: c.950G>C, p.Cys317Ser (NM_001184896.1); c.842G>C, p.Cys281Ser (NM_001184897.2, NM_001184898.2); short protein forms C281S, C317S.
Identifiers: ClinVar variation 2271213 (VCV002271213.2), dbSNP rs2519660553, ClinGen allele CA413242357.
Genomic context (GRCh38, chrX:54,011,226, plus strand): 5'-TAGCACTTGTCCACCTGGTCCCCAAAGAACATCTCATTCTGATTAGAGGAACTGCTCCAG[C>G]ACTCAAAGAGAGTCAGATTGGCATTTGTTGGGCGGATCAGGTAGAAGATCTTTTCACCCT-3'
Protein context (NP_055922.1, residues 271-291): PTNANLTLFE[Cys281Ser]WSSSSNQNEM